The following is an entry in ClinVar:

NM_198576.4(AGRN):c.369C>A (p.Tyr123Ter)

Genes: AGRN (agrin; plus strand), LOC126805576 (P300/CBP strongly-dependent group 1 enhancer GRCh37_chr1:956772-957971; plus strand). Cytogenetic location: 1p36.33.
Variant type: single nucleotide variant.
Coding change: c.369C>A on transcript NM_198576.4 (MANE Select); coding-DNA position 369, C replaced by A.
Protein change: p.Tyr123Ter; replaces tyrosine 123 with a stop codon.
Molecular consequence: nonsense.
Genome position (GRCh38, 1-based): chr1:1,022,368, C>A. VCF-style: chr1-1022368-C-A. GRCh37 (hg19) VCF-style: chr1-957748-C-A.
Other names: p.Tyr123Ter; c.369C>A, p.Tyr123Ter (NM_001305275.2); short protein forms Y123*.
Identifiers: ClinVar variation 3255595 (VCV003255595.2).

ClinVar aggregate classification (germline): Pathogenic (1 of 4 stars; one submission).

Conditions:
Congenital myasthenic syndrome 8. Also called: MYASTHENIC SYNDROME, CONGENITAL, DUE TO AGRIN DEFICIENCY; Myasthenic syndrome, congenital, 8, with pre- and postsynaptic defects. Identifiers: Orphanet 590, MedGen C3808739, MONDO:0014052, OMIM 615120.

Submission:

Breakthrough Genomics
Classification: Pathogenic for Congenital myasthenic syndrome 8. Last evaluated: 2020-09-12. Review status: criteria provided, single submitter. Criteria: ACMG Guidelines, 2015. Collection method: clinical testing. Allele origin: germline. Affected: yes.
Comment: This variant is predicted to cause a premature termination of the protein and the resultant protein is likely to lack all functional domain of the protein such as: Kazal domain, Laminin G domain, SEA domain and EGF-like domain [UniProt]; this will likely result in loss-of-function. Due to the introduction of a premature stop codon, this aberrant transcript will likely be targeted by the nonsense-mediated mRNA decay (NMD) mechanism [PMID: 15040442]. The variant seems to be a novel variant, as it has not been previously reported in population databases or in the literature. However, several other nonsense variants lying downstream of the variant, have been previously reported as ‘pathogenic’ in the ClinVar database context of congenital myasthenic syndrome. Loss-of-function variants in the gene are known to be pathogenic [PMID: 24951643].